The following is an entry in ClinVar:

NM_025103.4(IFT74):c.466-9T>C

Gene: IFT74 (intraflagellar transport 74; plus strand). Cytogenetic location: 9p21.2.
Variant type: single nucleotide variant.
Coding change: c.466-9T>C on transcript NM_025103.4 (MANE Select); 9 bases into the intron before coding-DNA position 466, T replaced by C.
Molecular consequence: intron variant.
Genome position (GRCh38, 1-based): chr9:26,988,660, T>C. VCF-style: chr9-26988660-T-C. GRCh37 (hg19) VCF-style: chr9-26988658-T-C.
Other names: c.466-9T>C (NM_001099223.3, NM_001099222.3, NM_001349928.2 and 1 more transcripts).
Identifiers: ClinVar variation 3355147 (VCV003355147.1).

ClinVar aggregate classification (germline): Likely benign (0 of 4 stars; one submission).

Conditions:
IFT74-related disorder. Also called: IFT74-related condition; IFT74-Related Disorders.

Submission:

PreventionGenetics, part of Exact Sciences
Classification: Likely benign for IFT74-related condition. Last evaluated: 2021-12-21. Review status: no assertion criteria provided. Collection method: clinical testing. Allele origin: germline.
Comment: This variant is classified as likely benign based on ACMG/AMP sequence variant interpretation guidelines (Richards et al. 2015 PMID: 25741868, with internal and published modifications).